The following is an entry in ClinVar:

ClinVar aggregate classification (germline): Pathogenic/Likely pathogenic. Review status: criteria provided, multiple submitters, no conflicts (2 of 4 stars). 2 submissions from 2 submitters: Pathogenic (1); Likely pathogenic (1). Last evaluated 2025-08-06.

Conditions:
CFTR-related disorder (CFTR-RD). Also called: CFTR-related condition; CFTR-related disorders. Identifiers: MedGen C5924204, MONDO:7770004.
Cystic fibrosis (CF). Also called: MUCOVISCIDOSIS. Identifiers: Orphanet 586, MedGen C0010674, MONDO:0009061, OMIM 219700. Disease mechanism: loss of function.

Submissions (2):

Natera, Inc.
Classification: Likely pathogenic for CFTR-related disorders. Last evaluated: 2025-08-06. Review status: criteria provided, single submitter. Criteria: Natera Variant Classification Schema (03/2026). Collection method: clinical testing. Allele origin: germline.
Comment: The c.4036dupC variant in CFTR is a frameshift variant predicted to shift the reading frame beginning at codon 1346 and leads to a stop codon 13 codons downstream. This variant is expected to result in nonsense mediated decay, truncation, or a dysfunctional protein product. This variant is rare in the general population with a frequency below the threshold expected for the associated phenotype(s). Given the available evidence, this variant is classified as Likely Pathogenic.

Ambry Genetics
Classification: Pathogenic for Cystic fibrosis. Last evaluated: 2016-11-21. Review status: criteria provided, single submitter. Criteria: Ambry Variant Classification Scheme 2023. Collection method: clinical testing. Allele origin: germline.
Comment: The c.4036dupC pathogenic mutation, located in coding exon 25 of the CFTR gene, results from a duplication of C at nucleotide position 4036, causing a translational frameshift with a predicted alternate stop codon (p.L1346Pfs*13). This alteration is expected to result in loss of function by premature protein truncation or nonsense-mediated mRNA decay. As such, this alteration is interpreted as a disease-causing mutation.

NM_000492.4(CFTR):c.4036dup (p.Leu1346fs)

Gene: CFTR (CF transmembrane conductance regulator; plus strand). Cytogenetic location: 7q31.2.
Variant type: Duplication.
Coding change: c.4036dup on transcript NM_000492.4 (MANE Select); coding-DNA position 4036, one base duplicated (C; older notation c.4036dupC).
Protein change: p.Leu1346fs; shifts the reading frame from leucine 1346.
Molecular consequence: frameshift variant.
Genome position (GRCh38, 1-based): chr7:117,664,760, C duplicated; the last of 2 consecutive C bases (chr7:117,664,759-117,664,760); duplicating either gives the same sequence. VCF-style (leftmost placement, unchanged base first): chr7-117664758-T-TC. GRCh37 (hg19) VCF-style: chr7-117304812-T-TC.
Other names: c.4036dupC (NM_000492.3); short protein forms L1346fs.
Identifiers: ClinVar variation 1737237 (VCV001737237.3), dbSNP rs2485181753, ClinGen allele CA2580076365.